The following is an entry in ClinVar:

ClinVar aggregate classification (germline): Uncertain significance. Review status: criteria provided, multiple submitters, no conflicts (2 of 4 stars). 2 submissions from 2 submitters: Uncertain significance (2). Last evaluated 2024-01-22.

Conditions:
Inborn genetic diseases. Identifiers: MedGen C0950123, MeSH D030342.
Miller syndrome (POADS). Also called: GENEE-WIEDEMANN SYNDROME; Genee-Wiedemann acrofacial dysostosis. Identifiers: Orphanet 246, MedGen C0265257, MONDO:0009903, OMIM 263750.

Allele frequency attached by ClinVar (database versions not stated): gnomAD 0.00003; ExAC 0.00005; TOPMed 0.00006.

Submissions (2):

Ambry Genetics
Classification: Uncertain significance for Inborn genetic diseases. Last evaluated: 2024-01-22. Review status: criteria provided, single submitter. Criteria: Ambry Variant Classification Scheme 2023. Collection method: clinical testing. Allele origin: germline.

Diagnostics Services (NGS), CSIR - Centre For Cellular And Molecular Biology
Classification: Uncertain significance for Miller syndrome. Last evaluated: 2022-07-22. Review status: criteria provided, single submitter. Criteria: ACMG Guidelines, 2015. Collection method: clinical testing. Allele origin: unknown. Affected: no. Observed: 1 variant allele, 1 heterozygote.
Comment: This variant is not present in publicly available population databases like 1000 Genomes, Exome Variant Server (EVS) and Indian Exome Database. The heterozygous state of the variant is present in Exome Aggregation Consortium (ExAC) and Genome Aggregation Database (gnomAD), at a low frequency. The variant is not present in our in-house exome database. The variant has not been previously reported to ClinVar, Human Genome Mutation Database (HGMD) and/or OMIM databases, in any affected individuals. In-silico pathogenicity prediction programs like SIFT, PolyPhen-2, MutationTaster2, CADD, Varsome, InterVar etc. predicted this variant to be likely deleterious, however these predictions were not confirmed by any published functional studies.

NM_001361.5(DHODH):c.616G>A (p.Asp206Asn)

Gene: DHODH (dihydroorotate dehydrogenase (quinone); plus strand). Cytogenetic location: 16q22.2.
Variant type: single nucleotide variant.
Coding change: c.616G>A on transcript NM_001361.5 (MANE Select); coding-DNA position 616, G replaced by A.
Protein change: p.Asp206Asn; replaces aspartic acid 206 with asparagine.
Molecular consequence: missense variant.
Genome position (GRCh38, 1-based): chr16:72,021,222, G>A. VCF-style: chr16-72021222-G-A. GRCh37 (hg19) VCF-style: chr16-72055121-G-A.
Other names: short protein forms D206N.
Identifiers: ClinVar variation 1802208 (VCV001802208.4), dbSNP rs780785810, ClinGen allele CA8158712.